The following is an entry in ClinVar:

ClinVar aggregate classification (germline): Likely pathogenic (1 of 4 stars; one submission).

Conditions:
KMT2A-related disorder. Also called: KMT2A-related condition.

Submission:

PreventionGenetics, part of Exact Sciences
Classification: Likely pathogenic for KMT2A-related condition. Last evaluated: 2022-10-07. Review status: criteria provided, single submitter. Criteria: ACMG Guidelines, 2015. Collection method: clinical testing. Allele origin: germline.
Comment: The KMT2A c.26T>G variant is predicted to result in the amino acid substitution p.Phe9Cys. To our knowledge, this variant has not been reported in the literature or in a large population database, indicating this variant is rare. De novo variants in KMT2A are expected to be pathogenic. This variant is interpreted as likely pathogenic.

NM_001197104.2(KMT2A):c.26T>G (p.Phe9Cys)

Gene: KMT2A (lysine methyltransferase 2A; plus strand). Cytogenetic location: 11q23.3.
Variant type: single nucleotide variant.
Coding change: c.26T>G on transcript NM_001197104.2 (MANE Select); coding-DNA position 26, T replaced by G.
Protein change: p.Phe9Cys; replaces phenylalanine 9 with cysteine.
Molecular consequence: missense variant.
Genome position (GRCh38, 1-based): chr11:118,436,538, T>G. VCF-style: chr11-118436538-T-G. GRCh37 (hg19) VCF-style: chr11-118307253-T-G.
Other names: c.26T>G, p.Phe9Cys (NM_001412597.1, NM_005933.4); short protein forms F9C.
Identifiers: ClinVar variation 2637324 (VCV002637324.1), dbSNP rs2134151980, ClinGen allele CA382796756.
Genomic context (GRCh38, chr11:118,436,538, plus strand): 5'-CTCTCCCTCTCGCTGCTTCACTTCACGGGGCGAACATGGCGCACAGCTGTCGGTGGCGCT[T>G]CCCCGCCCGACCCGGGACCACCGGGGGCGGCGGCGGCGGGGGGCGCCGGGGCCTAGGGGG-3'
Protein context (NP_001184033.1, residues 1-19): MAHSCRWR[Phe9Cys]PARPGTTGGG